The following is an entry in ClinVar:

ClinVar aggregate classification (germline): Conflicting classifications of pathogenicity. Review status: criteria provided, conflicting classifications (1 of 4 stars). 8 submissions from 8 submitters: Pathogenic (3); Likely pathogenic (2); Uncertain significance (3). Last evaluated 2026-05-07.

Conditions:
Spastic paraplegia 30A, autosomal dominant. Identifiers: MedGen CN380650, MONDO:0700307, OMIM 610357.
Hereditary spastic paraplegia 30. Identifiers: Orphanet 101010, MedGen C5235139, MONDO:0012476.
Neuropathy, hereditary sensory, type 2C. Also called: KIF1A-Related HSAN2 (HSAN2C); Hereditary sensory and autonomic neuropathy type IIC. Identifiers: Orphanet 970, MedGen C3280168, MONDO:0013634, OMIM 614213.
Intellectual disability, autosomal dominant 9 (NESCAVS). Also called: NESCAV SYNDROME; KIF1A-Related Neurodevelopmental Disorder. Identifiers: Orphanet 662367, MedGen C5393830, MONDO:0013656, OMIM 614255.
KIF1A-related disorder. Also called: KIF1A-related disorders; KIF1A-related condition.

Allele frequency attached by ClinVar (database versions not stated): gnomAD 0.00001; gnomAD exomes 0.00001; TOPMed 0.00001; ExAC 0.00002; ESP Exome Variant Server 0.00008.
gnomAD v4.1: 4 of 1,590,078 alleles (0.00025%); highest among the groups gnomAD compares: Non-Finnish European, 0.00034%; no homozygotes.

Submissions (8):

Institute of Medical Genetics and Applied Genomics, University Hospital Tübingen
Classification: Likely pathogenic for Spastic paraplegia 30A, autosomal dominant. Last evaluated: 2026-05-07. Review status: criteria provided, single submitter. Criteria: ACMG Guidelines, 2015. Collection method: clinical testing. Allele origin: germline. Inheritance: Autosomal dominant inheritance. Affected: yes.

MVZ Medizinische Genetik Mainz
Classification: Pathogenic for Neuropathy, hereditary sensory, type 2C. Last evaluated: 2026-01-07. Review status: criteria provided, single submitter. Criteria: UK Practice Guidelines For Variant Classification V4 01 2020. Collection method: clinical testing. Allele origin: germline. Inheritance: Autosomal recessive inheritance. Affected: yes. Observed: 1 variant allele.
Comment: ACMG Criteria: PVS1,PM2_SUP,PP4; Compound Heterozygote

Labcorp Genetics (formerly Invitae), Labcorp
Classification: Pathogenic for Hereditary spastic paraplegia 30; Neuropathy, hereditary sensory, type 2C; Intellectual disability, autosomal dominant 9. Last evaluated: 2025-11-23. Review status: criteria provided, single submitter. Criteria: Invitae Variant Classification Sherloc (09022015). Collection method: clinical testing. Allele origin: germline.
Comment: This sequence change creates a premature translational stop signal (p.Arg1175*) in the KIF1A gene. It is expected to result in an absent or disrupted protein product. Loss-of-function variants in KIF1A are known to be pathogenic (PMID: 21820098). The frequency data for this variant in the population databases is considered unreliable, as metrics indicate poor data quality at this position in the gnomAD database. This variant has not been reported in the literature in individuals affected with KIF1A-related conditions. ClinVar contains an entry for this variant (Variation ID: 576241). For these reasons, this variant has been classified as Pathogenic.

CeGaT Center for Human Genetics Tuebingen
Classification: Uncertain significance. Last evaluated: 2025-10-01. Review status: criteria provided, single submitter. Criteria: CeGaT Center For Human Genetics Tuebingen Variant Classification Criteria Version 2. Collection method: clinical testing. Allele origin: germline. Affected: yes. Observed: 2 variant alleles.
Comment: KIF1A: PM2, PVS1:Moderate

Human Genetics Bochum, Ruhr University Bochum
Classification: Likely pathogenic for Neuropathy, hereditary sensory, type 2C. Last evaluated: 2024-05-31. Review status: criteria provided, single submitter. Criteria: ACMG Guidelines, 2015. Collection method: clinical testing. Allele origin: germline. Affected: yes.
Comment: ACMG criteria used to clasify this variant: PVS1, PM2_SUP

Department of Clinical Genetics, Medical University of Lodz
Classification: Pathogenic for Spastic paraplegia 30A, autosomal dominant. Last evaluated: 2023-07-27. Review status: criteria provided, single submitter. Criteria: ACMG Guidelines, 2015. Collection method: literature only. Allele origin: paternal. Inheritance: Autosomal dominant inheritance. Affected: yes. Observed: 2 variant alleles.

PreventionGenetics, part of Exact Sciences
Classification: Uncertain significance for KIF1A-related condition. Last evaluated: 2023-04-21. Review status: criteria provided, single submitter. Criteria: ACMG Guidelines, 2015. Collection method: clinical testing. Allele origin: germline.
Comment: The KIF1A c.3826C>T variant is predicted to result in premature protein termination (p.Arg1276*). To our knowledge, this variant has not been reported in the literature. This variant is reported in 0.00092% of alleles in individuals of European (Non-Finnish) descent in gnomAD and is interpreted as pathogenic in ClinVar by one outside laboratory. Nonsense variants in KIF1A are expected to be pathogenic. This variant is interpreted as likely pathogenic.

GeneDx
Classification: Uncertain significance. Last evaluated: 2023-04-14. Review status: criteria provided, single submitter. Criteria: GeneDx Variant Classification Process June 2021. Collection method: clinical testing. Allele origin: germline. Affected: yes.
Comment: Nonsense variant predicted to result in protein truncation or nonsense mediated decay in a gene for which loss of function is a known mechanism of disease; Has not been previously published as pathogenic or benign to our knowledge

Literature cited by the submitters: PubMed 21820098 (cited by Labcorp Genetics (formerly Invitae), Labcorp); DOI 10.1007/s10048-023-00724-w (cited by Department of Clinical Genetics, Medical University of Lodz).

NM_001244008.2(KIF1A):c.3826C>T (p.Arg1276Ter)

Genes: KIF1A (kinesin family member 1A; minus strand), LOC126806583 (P300/CBP strongly-dependent group 1 enhancer GRCh37_chr2:241678910-241680109; plus strand). Cytogenetic location: 2q37.3.
Variant type: single nucleotide variant.
Coding change: c.3826C>T on transcript NM_001244008.2 (MANE Select); coding-DNA position 3826, C replaced by T.
Protein change: p.Arg1276Ter; replaces arginine 1276 with a stop codon.
Molecular consequence: nonsense.
Genome position (GRCh38, 1-based): chr2:240,740,133, G>A on the plus strand (C>T on the coding strand, the complement: KIF1A is on the minus strand). VCF-style: chr2-240740133-G-A. GRCh37 (hg19) VCF-style: chr2-241679550-G-A.
Other names: c.3550C>T, p.Arg1184Ter (NM_001320705.2, NM_001330289.2, NM_001379638.1); c.3625C>T, p.Arg1209Ter (NM_001330290.2, NM_001379634.1, NM_001379635.1 and 1 more transcripts); c.3901C>T, p.Arg1301Ter (NM_001379631.1); c.3775C>T, p.Arg1259Ter (NM_001379632.1); c.3799C>T, p.Arg1267Ter (NM_001379633.1, NM_001379642.1, NM_001379645.1); c.3523C>T, p.Arg1175Ter (NM_001379636.1, NM_001379639.1, NM_001379641.1 and 5 more transcripts); c.3598C>T, p.Arg1200Ter (NM_001379637.1, NM_001379648.1); c.3520C>T, p.Arg1174Ter (NM_001379640.1); and 1 more; short protein forms R1175*, R1276*, R1184*, R1209*, R1174*, R1200*, R1259*, R1267*.
Identifiers: ClinVar variation 576241 (VCV000576241.22), dbSNP rs368078424, ClinGen allele CA2207618.
Genomic context (GRCh38, chr2:240,740,133, plus strand): 5'-GCACTTCCTTCCAGCGGATATGGCTGCCTGTCTCATGCAGTAGTGTCACCGTAATCCGTC[G>A]CTGGATGCCCTGCCGGTGCCAGGTGAGAGGATATGGTCAGACGGCTCAGGGGGCTACGTA-3'